The following is an entry in ClinVar:

ClinVar aggregate classification (germline): Uncertain significance (1 of 4 stars; one submission).

Allele frequency attached by ClinVar (database versions not stated): ExAC 0.00001; TOPMed 0.00001.
gnomAD v4.1: 2 of 1,614,254 alleles (0.00012%); highest among the groups gnomAD compares: Admixed American, 0.0017%; no homozygotes.

Submission:

Labcorp Genetics (formerly Invitae), Labcorp
Classification: Uncertain significance. Last evaluated: 2025-12-19. Review status: criteria provided, single submitter. Criteria: Invitae Variant Classification Sherloc (09022015). Collection method: clinical testing. Allele origin: germline.
Comment: This sequence change replaces glycine, which is neutral and non-polar, with aspartic acid, which is acidic and polar, at codon 399 of the MOCS3 protein (p.Gly399Asp). This variant is present in population databases (rs746166793, gnomAD 0.003%). This variant has not been reported in the literature in individuals affected with MOCS3-related conditions. ClinVar contains an entry for this variant (Variation ID: 1907063). An algorithm developed to predict the effect of missense changes on protein structure and function outputs the following: PolyPhen-2: "Benign". The aspartic acid amino acid residue is found in multiple mammalian species, which suggests that this missense change does not adversely affect protein function. In summary, the available evidence is currently insufficient to determine the role of this variant in disease. Therefore, it has been classified as a Variant of Uncertain Significance.

NM_014484.5(MOCS3):c.1196G>A (p.Gly399Asp)

Gene: MOCS3 (molybdenum cofactor synthesis 3; plus strand). Cytogenetic location: 20q13.13.
Variant type: single nucleotide variant.
Coding change: c.1196G>A on transcript NM_014484.5 (MANE Select); coding-DNA position 1196, G replaced by A.
Protein change: p.Gly399Asp; replaces glycine 399 with aspartic acid.
Molecular consequence: missense variant.
Genome position (GRCh38, 1-based): chr20:50,960,038, G>A. VCF-style: chr20-50960038-G-A. GRCh37 (hg19) VCF-style: chr20-49576575-G-A.
Other names: short protein forms G399D.
Identifiers: ClinVar variation 1907063 (VCV001907063.4), dbSNP rs746166793, ClinGen allele CA9909552.
Genomic context (GRCh38, chr20:50,960,038, plus strand): 5'-AACGCAGGGATGCGGAGAGCCTGAAACTCTTAAAAGAAGCAATCTGGGAAGAGAAGCAGG[G>A]CACACAAGAAGGGGCTGCTGTCCCCATTTATGTGATTTGCAAACTGGGAAATGACTCACA-3'
Protein context (NP_055299.1, residues 389-409): LKEAIWEEKQ[Gly399Asp]TQEGAAVPIY